The following is an entry in ClinVar:

ClinVar aggregate classification (germline): Uncertain significance (1 of 4 stars; one submission).

gnomAD v4.1: 1 of 1,614,076 alleles (0.000062%); no homozygotes.

Submission:

Ambry Genetics
Classification: Uncertain significance. Last evaluated: 2025-10-15. Review status: criteria provided, single submitter. Criteria: Ambry Variant Classification Scheme 2023. Collection method: clinical testing. Allele origin: germline.
Comment: The p.G134S variant (also known as c.400G>A), located in coding exon 1 of the TET2 gene, results from a G to A substitution at nucleotide position 400. The glycine at codon 134 is replaced by serine, an amino acid with similar properties. This amino acid position is conserved. In addition, this alteration is predicted to be tolerated by in silico analysis. Based on the available evidence, the clinical significance of this variant remains unclear.

NM_001127208.3(TET2):c.400G>A (p.Gly134Ser)

Genes: TET2 (tet methylcytosine dioxygenase 2; plus strand), TET2-AS1 (TET2 antisense RNA 1; minus strand). Cytogenetic location: 4q24.
Variant type: single nucleotide variant.
Coding change: c.400G>A on transcript NM_001127208.3 (MANE Select); coding-DNA position 400, G replaced by A.
Protein change: p.Gly134Ser; replaces glycine 134 with serine.
Molecular consequence: missense variant.
Genome position (GRCh38, 1-based): chr4:105,234,342, G>A. VCF-style: chr4-105234342-G-A. GRCh37 (hg19) VCF-style: chr4-106155499-G-A.
Other names: c.400G>A, p.Gly134Ser (NM_017628.4); short protein forms G134S.
Identifiers: ClinVar variation 4594161 (VCV004594161.1).